The following is an entry in ClinVar:

NM_000152.5(GAA):c.1420C>T (p.Gln474Ter)

Gene: GAA (alpha glucosidase; plus strand). Cytogenetic location: 17q25.3.
Variant type: single nucleotide variant.
Coding change: c.1420C>T on transcript NM_000152.5 (MANE Select); coding-DNA position 1420, C replaced by T.
Protein change: p.Gln474Ter; replaces glutamine 474 with a stop codon.
Molecular consequence: nonsense.
Genome position (GRCh38, 1-based): chr17:80,110,038, C>T. VCF-style: chr17-80110038-C-T. GRCh37 (hg19) VCF-style: chr17-78083837-C-T.
Other names: c.1420C>T, p.Gln474Ter (NM_001079803.3, NM_001079804.3, NM_001406741.1 and 1 more transcripts); short protein forms Q474*.
Identifiers: ClinVar variation 3647163 (VCV003647163.4).

ClinVar aggregate classification (germline): Pathogenic. Review status: criteria provided, multiple submitters, no conflicts (2 of 4 stars). 2 submissions from 2 submitters: Pathogenic (2). Last evaluated 2025-04-01.

Conditions:
Glycogen storage disease, type II (IOPD). Also called: CARDIOMEGALIA GLYCOGENICA DIFFUSA; GLYCOGENOSIS, GENERALIZED, CARDIAC FORM; GSD II; Glycogen storage disease type 2; Acid maltase deficiency disease; Aglucosidase alfa. Identifiers: Orphanet 365, MedGen C0017921, MONDO:0009290, OMIM 232300.

Submissions (2):

Myriad Genetics, Inc.
Classification: Pathogenic for Glycogen storage disease, type II. Last evaluated: 2025-04-01. Review status: criteria provided, single submitter. Criteria: Myriad Autosomal Dominant, Autosomal Recessive and X-Linked Classification Criteria (2023). Collection method: clinical testing. Allele origin: unknown.
Comment: NM_000152.3(GAA):c.1420C>T(Q474*) is expected to be pathogenic in the context of Pompe disease. This variant is predicted to lead to an abnormal or absent protein product due to the creation of a premature termination codon in GAA, a gene where loss-of-function variants are known to be pathogenic. Please note: this variant was assessed in the context of healthy population screening.

Labcorp Genetics (formerly Invitae), Labcorp
Classification: Pathogenic for Glycogen storage disease, type II. Last evaluated: 2024-03-21. Review status: criteria provided, single submitter. Criteria: Invitae Variant Classification Sherloc (09022015). Collection method: clinical testing. Allele origin: germline.
Comment: This sequence change creates a premature translational stop signal (p.Gln474*) in the GAA gene. It is expected to result in an absent or disrupted protein product. Loss-of-function variants in GAA are known to be pathogenic (PMID: 18425781, 22252923). This variant is not present in population databases (gnomAD no frequency). This variant has not been reported in the literature in individuals affected with GAA-related conditions. For these reasons, this variant has been classified as Pathogenic.

Literature cited by the submitters: PubMed 18425781 (cited by Labcorp Genetics (formerly Invitae), Labcorp); PubMed 22252923 (cited by Labcorp Genetics (formerly Invitae), Labcorp).